The following is an entry in ClinVar:

NM_002076.4(GNS):c.1098+3A>G

Gene: GNS (glucosamine (N-acetyl)-6-sulfatase; minus strand). Cytogenetic location: 12q14.3.
Variant type: single nucleotide variant.
Coding change: c.1098+3A>G on transcript NM_002076.4 (MANE Select); 3 bases into the intron after coding-DNA position 1098, A replaced by G.
Molecular consequence: intron variant.
Genome position (GRCh38, 1-based): chr12:64,737,001, T>C on the plus strand (A>G on the coding strand, the complement: GNS is on the minus strand). VCF-style: chr12-64737001-T-C. GRCh37 (hg19) VCF-style: chr12-65130781-T-C.
Identifiers: ClinVar variation 2164354 (VCV002164354.2), dbSNP rs1303967000, ClinGen allele CA605385887.

ClinVar aggregate classification (germline): Uncertain significance (1 of 4 stars; one submission).

Conditions:
Mucopolysaccharidosis, MPS-III-D (MPS3D). Also called: N-ACETYLGLUCOSAMINE-6-SULFATASE DEFICIENCY; SANFILIPPO SYNDROME D; MPS III D; Mucopoly-saccharidosis type 3D; N-acetylglucosamine-6-sulfate sulfatase deficiency; MPS 3D. Identifiers: Orphanet 581, Orphanet 79272, MedGen C0086650, MONDO:0009658, OMIM 252940.

Allele frequency attached by ClinVar (database versions not stated): gnomAD exomes below 0.00001; TOPMed 0.00001.
gnomAD v4.1: 1 of 1,470,638 alleles (0.000068%); highest among the groups gnomAD compares: Admixed American, 0.0017%; no homozygotes.

Submission:

Labcorp Genetics (formerly Invitae), Labcorp
Classification: Uncertain significance for Mucopolysaccharidosis, MPS-III-D. Last evaluated: 2025-01-13. Review status: criteria provided, single submitter. Criteria: Invitae Variant Classification Sherloc (09022015). Collection method: clinical testing. Allele origin: germline.
Comment: This sequence change falls in intron 9 of the GNS gene. It does not directly change the encoded amino acid sequence of the GNS protein. It affects a nucleotide within the consensus splice site. This variant is present in population databases (no rsID available, gnomAD 0.003%). This variant has not been reported in the literature in individuals affected with GNS-related conditions. ClinVar contains an entry for this variant (Variation ID: 2164354). Variants that disrupt the consensus splice site are a relatively common cause of aberrant splicing (PMID: 17576681, 9536098). Algorithms developed to predict the effect of sequence changes on RNA splicing suggest that this variant may create or strengthen a splice site. In summary, the available evidence is currently insufficient to determine the role of this variant in disease. Therefore, it has been classified as a Variant of Uncertain Significance.

Literature cited by the submitters: PubMed 17576681; PubMed 9536098.